The following is an entry in ClinVar:

ClinVar aggregate classification (germline): Uncertain significance. Review status: criteria provided, multiple submitters, no conflicts (2 of 4 stars). 2 submissions from 2 submitters: Uncertain significance (2). Last evaluated 2025-12-03.

Conditions:
Inborn genetic diseases. Identifiers: MedGen C0950123, MeSH D030342.

Allele frequency attached by ClinVar (database versions not stated): gnomAD exomes below 0.00001; ExAC 0.00002; TOPMed 0.00002.

Submissions (2):

Ambry Genetics
Classification: Uncertain significance for Inborn genetic diseases. Last evaluated: 2025-12-03. Review status: criteria provided, single submitter. Criteria: Ambry Variant Classification Scheme 2023. Collection method: clinical testing. Allele origin: germline.

Labcorp Genetics (formerly Invitae), Labcorp
Classification: Uncertain significance. Last evaluated: 2022-03-10. Review status: criteria provided, single submitter. Criteria: Invitae Variant Classification Sherloc (09022015). Collection method: clinical testing. Allele origin: germline.
Comment: This sequence change replaces glutamic acid, which is acidic and polar, with lysine, which is basic and polar, at codon 477 of the FAM161A protein (p.Glu477Lys). This variant is present in population databases (rs747223820, gnomAD 0.0009%). This variant has not been reported in the literature in individuals affected with FAM161A-related conditions. Algorithms developed to predict the effect of missense changes on protein structure and function output the following: SIFT: "Tolerated"; PolyPhen-2: "Benign"; Align-GVGD: "Class C0". The lysine amino acid residue is found in multiple mammalian species, which suggests that this missense change does not adversely affect protein function. In summary, the available evidence is currently insufficient to determine the role of this variant in disease. Therefore, it has been classified as a Variant of Uncertain Significance.

NM_001201543.2(FAM161A):c.1429G>A (p.Glu477Lys)

Gene: FAM161A (FAM161 centrosomal protein A; minus strand). Cytogenetic location: 2p15.
Variant type: single nucleotide variant.
Coding change: c.1429G>A on transcript NM_001201543.2 (MANE Select); coding-DNA position 1429, G replaced by A.
Protein change: p.Glu477Lys; replaces glutamic acid 477 with lysine.
Molecular consequence: missense variant. On other transcripts: non-coding transcript variant (1).
Genome position (GRCh38, 1-based): chr2:61,839,575, C>T on the plus strand (G>A on the coding strand, the complement: FAM161A is on the minus strand). VCF-style: chr2-61839575-C-T. GRCh37 (hg19) VCF-style: chr2-62066710-C-T.
Other names: c.1429G>A, p.Glu477Lys (NM_032180.3); c.1429G>A (NM_001201543.1); short protein forms E477K.
Identifiers: ClinVar variation 2164350 (VCV002164350.2), dbSNP rs747223820, ClinGen allele CA1679160.